The following is an entry in ClinVar:

NM_001267550.2(TTN):c.22592G>A (p.Ser7531Asn)

Gene: TTN (titin; minus strand). Cytogenetic location: 2q31.2.
Variant type: single nucleotide variant.
Coding change: c.22592G>A on transcript NM_001267550.2 (MANE Select); coding-DNA position 22592, G replaced by A.
Protein change: p.Ser7531Asn; replaces serine 7531 with asparagine.
Molecular consequence: missense variant. On other transcripts: intron variant (3).
Genome position (GRCh38, 1-based): chr2:178,722,071, C>T on the plus strand (G>A on the coding strand, the complement: TTN is on the minus strand). VCF-style: chr2-178722071-C-T. GRCh37 (hg19) VCF-style: chr2-179586798-C-T.
Other names: c.21641G>A, p.Ser7214Asn (NM_001256850.1); c.18860G>A, p.Ser6287Asn (NM_133378.4); c.13282+16011G>A (NM_003319.4); c.13858+16011G>A (NM_133437.4); c.13657+16011G>A (NM_133432.3); short protein forms S7531N, S6287N, S7214N.
Identifiers: ClinVar variation 74283 (VCV000074283.6), dbSNP rs267599060, ClinGen allele CA2000803.

ClinVar aggregate classification (germline): Conflicting classifications of pathogenicity. Review status: criteria provided, conflicting classifications (1 of 4 stars). 3 submissions from 3 submitters: Uncertain significance (2); Likely benign (1). Last evaluated 2026-07-19.

Conditions:
TTN-related disorder. Also called: TTN-related condition; TTN-related disease; TTN-related disorders.
Dilated cardiomyopathy 1G (CMD1G). Identifiers: Orphanet 154, MedGen C1858763, MONDO:0011400, OMIM 604145.
Autosomal recessive limb-girdle muscular dystrophy type 2J (LGMDR10). Also called: Limb-girdle muscular dystrophy, type 2J; MUSCULAR DYSTROPHY, LIMB-GIRDLE, AUTOSOMAL RECESSIVE 10. Identifiers: Orphanet 140922, MedGen C1837342, MONDO:0012127, OMIM 608807.

Allele frequency attached by ClinVar (database versions not stated): gnomAD exomes 0.00002; ExAC 0.00003; ESP Exome Variant Server 0.00008; gnomAD 0.00008 and 0.00009; TOPMed 0.00012.
gnomAD v4.1: 28 of 1,611,176 alleles (0.0017%); highest among the groups gnomAD compares: African/African-American, 0.033%; no homozygotes.

Submissions (3):

PreventionGenetics, part of Exact Sciences
Classification: Uncertain significance for TTN-related condition. Last evaluated: 2026-07-19. Review status: criteria provided, single submitter. Criteria: ACMG Guidelines, 2015. Collection method: clinical testing. Allele origin: germline.
Comment: The TTN c.22592G>A variant is predicted to result in the amino acid substitution p.Ser7531Asn. To our knowledge, this variant has not been reported in the literature. This variant is reported in 0.025% of alleles in individuals of African descent in gnomAD. At this time, the clinical significance of this variant is uncertain due to the absence of conclusive functional and genetic evidence.

GeneDx
Classification: Likely benign. Last evaluated: 2018-11-07. Review status: criteria provided, single submitter. Criteria: GeneDx Variant Classification Process June 2021. Collection method: clinical testing. Allele origin: germline. Affected: yes.

Labcorp Genetics (formerly Invitae), Labcorp
Classification: Uncertain significance for Dilated cardiomyopathy 1G; Autosomal recessive limb-girdle muscular dystrophy type 2J. Last evaluated: 2018-01-04. Review status: criteria provided, single submitter. Criteria: Invitae Variant Classification Sherloc (09022015). Collection method: clinical testing. Allele origin: germline.